The following is an entry in ClinVar:

ClinVar aggregate classification (germline): Uncertain significance (1 of 4 stars; one submission).

Submission:

CeGaT Center for Human Genetics Tuebingen
Classification: Uncertain significance. Last evaluated: 2025-11-01. Review status: criteria provided, single submitter. Criteria: CeGaT Center For Human Genetics Tuebingen Variant Classification Criteria Version 2. Collection method: clinical testing. Allele origin: germline. Affected: yes. Observed: 1 variant allele.
Comment: NBEA: PM2

NM_001385012.1(NBEA):c.8701G>A (p.Gly2901Arg)

Gene: NBEA (neurobeachin; plus strand). Cytogenetic location: 13q13.3.
Variant type: single nucleotide variant.
Coding change: c.8701G>A on transcript NM_001385012.1 (MANE Select); coding-DNA position 8701, G replaced by A.
Protein change: p.Gly2901Arg; replaces glycine 2901 with arginine.
Molecular consequence: missense variant.
Genome position (GRCh38, 1-based): chr13:35,668,407, G>A. VCF-style: chr13-35668407-G-A. GRCh37 (hg19) VCF-style: chr13-36242544-G-A.
Other names: c.2017G>A, p.Gly673Arg (NM_001204197.3); c.8692G>A, p.Gly2898Arg (NM_001379245.1); c.8638G>A, p.Gly2880Arg (NM_015678.5); short protein forms G2880R, G2898R, G2901R, G673R.
Identifiers: ClinVar variation 4535393 (VCV004535393.6).
Genomic context (GRCh38, chr13:35,668,407, plus strand): 5'-TTTGTTTTACCTTTTCTGAAGGCCATTCTCCTGAGCAGTGACGGCCAGAACCTGGTCACC[G>A]GAGGGGACAATGGGGTAGTAGAGGTCTGGCAGGCCTGTGACTTCAAGCAACTGTACATTT-3'
Protein context (NP_001371941.1, residues 2891-2911): LSSDGQNLVT[Gly2901Arg]GDNGVVEVWQ